The following is an entry in ClinVar:

NM_000038.6(APC):c.4777_4778del (p.Lys1593fs)

Gene: APC (APC regulator of Wnt signaling pathway; plus strand). Cytogenetic location: 5q22.2.
Variant type: Deletion.
Coding change: c.4777_4778del on transcript NM_000038.6 (MANE Select); coding-DNA positions 4777 to 4778, 2 bases deleted (AA; older notation c.4777_4778delAA).
Protein change: p.Lys1593fs; shifts the reading frame from lysine 1593.
Molecular consequence: frameshift variant. On other transcripts: non-coding transcript variant (2).
Genome position (GRCh38, 1-based): chr5:112,840,371-112,840,372, AA deleted; deleting any 2 consecutive bases within chr5:112,840,367-112,840,372 gives the same sequence; the c. name uses the placement nearest the transcript's 3' end. VCF-style (leftmost placement, unchanged base first): chr5-112840366-CAA-C. GRCh37 (hg19) VCF-style: chr5-112176063-CAA-C.
Other names: c.4390_4391del, p.Lys1464fs (NM_001407467.1, NM_001407469.1); c.3928_3929del, p.Lys1310fs (NM_001407470.1, NM_001354906.2); c.3625_3626del, p.Lys1209fs (NM_001407471.1, NM_001407472.1); c.4777_4778del, p.Lys1593fs (NM_001127510.3, NM_001354895.2, NM_001407450.1); c.4723_4724del, p.Lys1575fs (NM_001127511.3); c.4831_4832del, p.Lys1611fs (NM_001354896.2, NM_001407447.1, NM_001407448.1 and 1 more transcripts); c.4807_4808del, p.Lys1603fs (NM_001354897.2); c.4702_4703del, p.Lys1568fs (NM_001354898.2); and 11 more; short protein forms K1310fs, K1492fs, K1502fs, K1552fs, K1568fs, K1575fs, K1603fs, K1621fs.
Identifiers: ClinVar variation 3410372 (VCV003410372.1).

ClinVar aggregate classification (germline): Pathogenic (1 of 4 stars; one submission).

Conditions:
Hereditary cancer-predisposing syndrome. Also called: Neoplastic Syndromes, Hereditary; Tumor predisposition; Hereditary Cancer Syndrome; Hereditary neoplastic syndrome. Identifiers: Orphanet 140162, MedGen C0027672, MeSH D009386, MONDO:0015356.

Submission:

Ambry Genetics
Classification: Pathogenic for Hereditary cancer-predisposing syndrome. Last evaluated: 2024-09-02. Review status: criteria provided, single submitter. Criteria: Ambry Variant Classification Scheme 2023. Collection method: clinical testing. Allele origin: germline.
Comment: The c.4777_4778delAA pathogenic mutation, located in coding exon 15 of the APC gene, results from a deletion of two nucleotides at nucleotide positions 4777 to 4778, causing a translational frameshift with a predicted alternate stop codon (p.K1593Afs*38). This alteration occurs at the 3' terminus of theAPC gene, is not expected to trigger nonsense-mediated mRNA decay, and impacts the last 44% of the protein. However, premature stop codons are typically deleterious in nature and a significant portion of the protein is affected (Ambry internal data). This variant has been observed in at least one individual with a personal and/or family history that is consistent with APC-associated polyposis conditions (Ambry internal data). This variant is considered to be rare based on population cohorts in the Genome Aggregation Database (gnomAD). Based on the supporting evidence, this variant is interpreted as a disease-causing mutation.